The following is an entry in ClinVar:

ClinVar aggregate classification (germline): Conflicting classifications of pathogenicity. Review status: criteria provided, conflicting classifications (1 of 4 stars). 3 submissions from 3 submitters: Uncertain significance (2); Likely benign (1). Last evaluated 2024-01-04.

Conditions:
Emery-Dreifuss muscular dystrophy 5, autosomal dominant (EDMD5). Also called: EMERY-DREIFUSS MUSCULAR DYSTROPHY 5. Identifiers: Orphanet 261, MedGen C2751805, MONDO:0013072, OMIM 612999.

Allele frequency attached by ClinVar (database versions not stated): gnomAD exomes below 0.00001 and 0.00003; ExAC 0.00005; TOPMed 0.00014; ESP Exome Variant Server 0.00015; gnomAD 0.00019 and 0.00020; 1000 Genomes Project 0.00040; 1000 Genomes Project 30x 0.00047.
gnomAD v4.1: 39 of 1,614,014 alleles (0.0024%); highest among the groups gnomAD compares: African/African-American, 0.045%; no homozygotes.

Submissions (3):

Ambry Genetics
Classification: Uncertain significance. Last evaluated: 2024-01-04. Review status: criteria provided, single submitter. Criteria: Ambry Variant Classification Scheme 2023. Collection method: clinical testing. Allele origin: germline.

Athena Diagnostics
Classification: Uncertain significance. Last evaluated: 2020-09-18. Review status: criteria provided, single submitter. Criteria: Athena Diagnostics criteria. Collection method: clinical testing. Allele origin: unknown.

Illumina Laboratory Services, Illumina
Classification: Likely benign for Emery-Dreifuss muscular dystrophy 5, autosomal dominant. Last evaluated: 2018-01-13. Review status: criteria provided, single submitter. Criteria: ICSL Variant Classification Criteria 13 December 2019. Collection method: clinical testing. Allele origin: germline.
Comment: This variant was observed in the ICSL laboratory as part of a predisposition screen in an ostensibly healthy population. It had not been previously curated by ICSL or reported in the Human Gene Mutation Database (HGMD: prior to June 1st, 2018), and was therefore a candidate for classification through an automated scoring system. Utilizing variant allele frequency, disease prevalence and penetrance estimates, and inheritance mode, an automated score was calculated to assess if this variant is too frequent to cause the disease. Based on the score and internal cut-off values, a variant classified as likely benign is not then subjected to further curation. The score for this variant resulted in a classification of likely benign for this disease.

NM_182914.3(SYNE2):c.16312G>A (p.Asp5438Asn)

Gene: SYNE2 (spectrin repeat containing nuclear envelope protein 2; plus strand). Cytogenetic location: 14q23.2.
Variant type: single nucleotide variant.
Coding change: c.16312G>A on transcript NM_182914.3 (MANE Select); coding-DNA position 16312, G replaced by A.
Protein change: p.Asp5438Asn; replaces aspartic acid 5438 with asparagine.
Molecular consequence: missense variant.
Genome position (GRCh38, 1-based): chr14:64,163,414, G>A. VCF-style: chr14-64163414-G-A. GRCh37 (hg19) VCF-style: chr14-64630132-G-A.
Other names: c.16312G>A, p.Asp5438Asn (NM_015180.6); short protein forms D5438N.
Identifiers: ClinVar variation 313619 (VCV000313619.7), dbSNP rs201134182, ClinGen allele CA7223349.